The following is an entry in ClinVar:

NM_001080779.2(MYO1C):c.1348A>G (p.Ile450Val)

Gene: MYO1C (myosin IC; minus strand). Cytogenetic location: 17p13.3.
Variant type: single nucleotide variant.
Coding change: c.1348A>G on transcript NM_001080779.2 (MANE Select); coding-DNA position 1348, A replaced by G.
Protein change: p.Ile450Val; replaces isoleucine 450 with valine.
Molecular consequence: missense variant.
Genome position (GRCh38, 1-based): chr17:1,478,140, T>C on the plus strand (A>G on the coding strand, the complement: MYO1C is on the minus strand). VCF-style: chr17-1478140-T-C. GRCh37 (hg19) VCF-style: chr17-1381434-T-C.
Other names: c.1291A>G, p.Ile431Val (NM_001080950.2); c.1276A>G, p.Ile426Val (NM_001363855.1); c.1243A>G, p.Ile415Val (NM_033375.5); short protein forms I415V, I426V, I431V, I450V.
Identifiers: ClinVar variation 1181705 (VCV001181705.4), dbSNP rs201075863, ClinGen allele CA8267570.

ClinVar aggregate classification (germline): Benign. Review status: criteria provided, single submitter (1 of 4 stars). 2 submissions from 2 submitters: Benign (1). 1 of the submissions does not count toward it. Last evaluated 2018-11-02.

Conditions:
MYO1C-related disorder. Also called: MYO1C-related condition.

Allele frequency attached by ClinVar (database versions not stated): gnomAD 0.00001 and 0.00030; TOPMed 0.00008; gnomAD exomes 0.00049 and 0.00098; ExAC 0.00106; 1000 Genomes Project 30x 0.00125; 1000 Genomes Project 0.00160.
gnomAD v4.1: 771 of 1,614,088 alleles (0.048%); highest among the groups gnomAD compares: South Asian, 0.79%; 11 homozygotes.

Submissions (2):

GeneDx
Classification: Benign. Last evaluated: 2018-11-02. Review status: criteria provided, single submitter. Criteria: GeneDx Variant Classification Process June 2021. Collection method: clinical testing. Allele origin: germline. Affected: yes.

PreventionGenetics, part of Exact Sciences
Classification: Benign for MYO1C-related condition. Last evaluated: 2019-11-22. Review status: no assertion criteria provided. Collection method: clinical testing. Allele origin: germline. Not counted in ClinVar's aggregate classification.
Comment: This variant is classified as benign based on ACMG/AMP sequence variant interpretation guidelines (Richards et al. 2015 PMID: 25741868, with internal and published modifications).